The following is an entry in ClinVar:

NM_014974.3(DIP2C):c.2138T>C (p.Met713Thr)

Gene: DIP2C (DIP2 acetate--CoA ligase C (putative); minus strand). Cytogenetic location: 10p15.3.
Variant type: single nucleotide variant.
Coding change: c.2138T>C on transcript NM_014974.3 (MANE Select); coding-DNA position 2138, T replaced by C.
Protein change: p.Met713Thr; replaces methionine 713 with threonine.
Molecular consequence: missense variant.
Genome position (GRCh38, 1-based): chr10:366,405, A>G on the plus strand (T>C on the coding strand, the complement: DIP2C is on the minus strand). VCF-style: chr10-366405-A-G. GRCh37 (hg19) VCF-style: chr10-412345-A-G.
Other names: c.2138T>C (NM_014974.2); short protein forms M713T.
Identifiers: ClinVar variation 2958632 (VCV002958632.4), dbSNP rs376730549, ClinGen allele CA5380558.

ClinVar aggregate classification (germline): Conflicting classifications of pathogenicity. Review status: criteria provided, conflicting classifications (1 of 4 stars). 2 submissions from 2 submitters: Uncertain significance (1); Likely benign (1). Last evaluated 2025-08-26.

Conditions:
Inborn genetic diseases. Identifiers: MedGen C0950123, MeSH D030342.

Allele frequency attached by ClinVar (database versions not stated): ExAC 0.00002; gnomAD exomes 0.00003; ESP Exome Variant Server 0.00008; TOPMed 0.00008; gnomAD 0.00009.
gnomAD v4.1: 57 of 1,614,226 alleles (0.0035%); highest among the groups gnomAD compares: Middle Eastern, 0.033%; no homozygotes.

Submissions (2):

Ambry Genetics
Classification: Likely benign for Inborn genetic diseases. Last evaluated: 2025-08-26. Review status: criteria provided, single submitter. Criteria: Ambry Variant Classification Scheme 2023. Collection method: clinical testing. Allele origin: germline.

Labcorp Genetics (formerly Invitae), Labcorp
Classification: Uncertain significance. Last evaluated: 2024-05-07. Review status: criteria provided, single submitter. Criteria: Invitae Variant Classification Sherloc (09022015). Collection method: clinical testing. Allele origin: germline.
Comment: This sequence change replaces methionine, which is neutral and non-polar, with threonine, which is neutral and polar, at codon 713 of the DIP2C protein (p.Met713Thr). This variant is present in population databases (rs376730549, gnomAD 0.02%). This variant has not been reported in the literature in individuals affected with DIP2C-related conditions. Algorithms developed to predict the effect of missense changes on protein structure and function output the following: SIFT: "Not Available"; PolyPhen-2: "Benign"; Align-GVGD: "Not Available". The threonine amino acid residue is found in multiple mammalian species, which suggests that this missense change does not adversely affect protein function. In summary, the available evidence is currently insufficient to determine the role of this variant in disease. Therefore, it has been classified as a Variant of Uncertain Significance.